The following is an entry in ClinVar:

NM_145728.3(SYNM):c.538C>T (p.Leu180=)

Genes: SYNM (synemin; plus strand), SYNM-AS1 (SYNM antisense RNA 1; minus strand), LOC130058014 (ATAC-STARR-seq lymphoblastoid silent region 6864; plus strand). Cytogenetic location: 15q26.3.
Variant type: single nucleotide variant.
Coding change: c.538C>T on transcript NM_145728.3 (MANE Select); coding-DNA position 538, C replaced by T.
Protein change: p.Leu180=; no amino-acid change (leucine 180 retained).
Molecular consequence: synonymous variant.
Genome position (GRCh38, 1-based): chr15:99,105,737, C>T. VCF-style: chr15-99105737-C-T. GRCh37 (hg19) VCF-style: chr15-99645943-C-T.
Other names: c.538C>T, p.Leu180= (NM_015286.6).
Identifiers: ClinVar variation 716222 (VCV000716222.6), dbSNP rs376087272, ClinGen allele CA7753288.

ClinVar aggregate classification (germline): Benign. Review status: criteria provided, multiple submitters, no conflicts (2 of 4 stars). 3 submissions from 3 submitters: Benign (2). 1 of the submissions does not count toward it. Last evaluated 2018-10-24.

Conditions:
SYNM-related disorder. Also called: SYNM-related condition.

Allele frequency attached by ClinVar (database versions not stated): gnomAD exomes 0.00029; ExAC 0.00073; ESP Exome Variant Server 0.00122; 1000 Genomes Project 0.00280; 1000 Genomes Project 30x 0.00281; gnomAD 0.00292 and 0.00312; TOPMed 0.00340.

Submissions (3):

Labcorp Genetics (formerly Invitae), Labcorp
Classification: Benign. Last evaluated: 2018-10-24. Review status: criteria provided, single submitter. Criteria: Invitae Variant Classification Sherloc (09022015). Collection method: clinical testing. Allele origin: germline.

Breakthrough Genomics
Classification: Benign. Review status: criteria provided, single submitter. Criteria: ACMG Guidelines, 2015. Collection method: not provided. Allele origin: germline. Inheritance: Unknown mechanism. Affected: yes.

PreventionGenetics, part of Exact Sciences
Classification: Benign for SYNM-related condition. Last evaluated: 2019-05-06. Review status: no assertion criteria provided. Collection method: clinical testing. Allele origin: germline. Not counted in ClinVar's aggregate classification.
Comment: This variant is classified as benign based on ACMG/AMP sequence variant interpretation guidelines (Richards et al. 2015 PMID: 25741868, with internal and published modifications).